The following is an entry in ClinVar:

ClinVar aggregate classification (germline): Uncertain significance (1 of 4 stars; one submission).

Submission:

Labcorp Genetics (formerly Invitae), Labcorp
Classification: Uncertain significance. Last evaluated: 2025-07-28. Review status: criteria provided, single submitter. Criteria: Invitae Variant Classification Sherloc (09022015). Collection method: clinical testing. Allele origin: germline.
Comment: This sequence change replaces serine, which is neutral and polar, with cysteine, which is neutral and slightly polar, at codon 1925 of the CACNA1D protein (p.Ser1925Cys). This variant is not present in population databases (gnomAD no frequency). This variant has not been reported in the literature in individuals affected with CACNA1D-related conditions. ClinVar contains an entry for this variant (Variation ID: 2743335). An algorithm developed to predict the effect of missense changes on protein structure and function (PolyPhen-2) suggests that this variant is likely to be disruptive. In summary, the available evidence is currently insufficient to determine the role of this variant in disease. Therefore, it has been classified as a Variant of Uncertain Significance.

NM_001128840.3(CACNA1D):c.5714C>G (p.Ser1905Cys)

Gene: CACNA1D (calcium voltage-gated channel subunit alpha1 D; plus strand). Cytogenetic location: 3p21.1.
Variant type: single nucleotide variant.
Coding change: c.5714C>G on transcript NM_001128840.3 (MANE Select); coding-DNA position 5714, C replaced by G.
Protein change: p.Ser1905Cys; replaces serine 1905 with cysteine.
Molecular consequence: missense variant.
Genome position (GRCh38, 1-based): chr3:53,805,111, C>G. VCF-style: chr3-53805111-C-G. GRCh37 (hg19) VCF-style: chr3-53839138-C-G.
Other names: c.5774C>G, p.Ser1925Cys (NM_000720.4); c.5642C>G, p.Ser1881Cys (NM_001128839.3); short protein forms S1881C, S1905C, S1925C.
Identifiers: ClinVar variation 2743335 (VCV002743335.3), dbSNP rs2474508948, ClinGen allele CA353254758.
Genomic context (GRCh38, chr3:53,805,111, plus strand): 5'-ATCATCCCCAAGGATTCTTGGAGGACGATGACTCGCCCGTTTGCTATGATTCACGGAGAT[C>G]TCCAAGGAGACGCCTACTACCTCCCACCCCAGCATGTGAGGCCAGATTTTTTGTTTTGGG-3'
Protein context (NP_001122312.1, residues 1895-1915): DSPVCYDSRR[Ser1905Cys]PRRRLLPPTP